The following is an entry in ClinVar:

NM_001033855.3(DCLRE1C):c.1588A>G (p.Thr530Ala)

Gene: DCLRE1C (DNA cross-link repair 1C; minus strand). Cytogenetic location: 10p13.
Variant type: single nucleotide variant.
Coding change: c.1588A>G on transcript NM_001033855.3 (MANE Select); coding-DNA position 1588, A replaced by G.
Protein change: p.Thr530Ala; replaces threonine 530 with alanine.
Molecular consequence: missense variant. On other transcripts: non-coding transcript variant (4).
Genome position (GRCh38, 1-based): chr10:14,908,899, T>C on the plus strand (A>G on the coding strand, the complement: DCLRE1C is on the minus strand). VCF-style: chr10-14908899-T-C. GRCh37 (hg19) VCF-style: chr10-14950898-T-C.
Other names: c.1228A>G, p.Thr410Ala (NM_001033857.3, NM_001033858.3, NM_001289077.2 and 2 more transcripts); c.1243A>G, p.Thr415Ala (NM_001289076.2, NM_001289078.2, NM_001350966.2 and 1 more transcripts); c.1588A>G, p.Thr530Ala (NM_001350965.2); short protein forms T415A, T530A, T410A.
Identifiers: ClinVar variation 1413100 (VCV001413100.3), dbSNP rs921962593, ClinGen allele CA203428725.
Genomic context (GRCh38, chr10:14,908,899, plus strand): 5'-CTTGACTTCCTTGTTCTGTTATGTGTGTTGACTGGGAAGAATTCTGGGAGGAGATGTGAG[T>C]TGATTCTCCATCAGAGTCACTGAAAAGCTTTGGTGACTGAGATCCCCCTGCCACTGTGGA-3'
Protein context (NP_001029027.1, residues 520-540): KLFSDSDGES[Thr530Ala]HISSQNSSQS

ClinVar aggregate classification (germline): Uncertain significance (1 of 4 stars; one submission).

Conditions:
Severe combined immunodeficiency due to DCLRE1C deficiency (RS-SCID). Also called: SCID, AUTOSOMAL RECESSIVE, T CELL-NEGATIVE, B CELL-NEGATIVE, NK CELL-POSITIVE, WITH SENSITIVITY TO IONIZING RADIATION. Identifiers: Orphanet 275, MedGen C1865371, MONDO:0011225, OMIM 602450.

Allele frequency attached by ClinVar (database versions not stated): TOPMed 0.00001; gnomAD exomes below 0.00001.

Submission:

Labcorp Genetics (formerly Invitae), Labcorp
Classification: Uncertain significance for Athabaskan severe combined immunodeficiency. Last evaluated: 2022-01-20. Review status: criteria provided, single submitter. Criteria: Invitae Variant Classification Sherloc (09022015). Collection method: clinical testing. Allele origin: germline.
Comment: This sequence change replaces threonine, which is neutral and polar, with alanine, which is neutral and non-polar, at codon 530 of the DCLRE1C protein (p.Thr530Ala). This variant is not present in population databases (gnomAD no frequency). This variant has not been reported in the literature in individuals affected with DCLRE1C-related conditions. Algorithms developed to predict the effect of missense changes on protein structure and function are either unavailable or do not agree on the potential impact of this missense change (SIFT: "Deleterious"; PolyPhen-2: "Possibly Damaging"; Align-GVGD: "Class C0"). In summary, the available evidence is currently insufficient to determine the role of this variant in disease. Therefore, it has been classified as a Variant of Uncertain Significance.